The following is an entry in ClinVar:

ClinVar aggregate classification (germline): Likely pathogenic (1 of 4 stars; one submission).

Conditions:
Myofibrillar myopathy 4. Also called: Zaspopathy (type). Identifiers: Orphanet 98912, MedGen C4721886, MONDO:0012277, OMIM 609452.

Submission:

Human Genetics Bochum, Ruhr University Bochum
Classification: Likely pathogenic for Myofibrillar myopathy 4. Last evaluated: 2024-08-13. Review status: criteria provided, single submitter. Criteria: ACMG Guidelines, 2015. Collection method: clinical testing. Allele origin: germline. Affected: yes.
Comment: ACMG criteria used to clasify this variant: PVS1, PM2_SUP

NM_007078.3(LDB3):c.948_957del (p.Ala319fs)

Gene: LDB3 (LIM domain binding 3; plus strand). Cytogenetic location: 10q23.2.
Variant type: Deletion.
Coding change: c.948_957del on transcript NM_007078.3 (MANE Select); coding-DNA positions 948 to 957, 10 bases deleted (GCTGCCCGCT; older notation c.948_957delGCTGCCCGCT).
Protein change: p.Ala319fs; shifts the reading frame from alanine 319.
Molecular consequence: frameshift variant. On other transcripts: intron variant (4).
Genome position (GRCh38, 1-based): chr10:86,706,582-86,706,591, GCTGCCCGCT deleted; deleting any 10 consecutive bases within chr10:86,706,576-86,706,591 gives the same sequence; the c. name uses the placement nearest the transcript's 3' end. VCF-style (leftmost placement, unchanged base first): chr10-86706575-CCCCGCTGCTG-C. GRCh37 (hg19) VCF-style: chr10-88466332-CCCCGCTGCTG-C.
Other names: c.807_816del, p.Ala272fs (NM_001368066.1); c.897-3323_897-3314del (NM_001368064.1, NM_001368065.1); c.1101-3323_1101-3314del (NM_001171610.2); c.756-3323_756-3314del (NM_001080114.2); short protein forms A272fs, A319fs.
Identifiers: ClinVar variation 4687981 (VCV004687981.1), dbSNP rs760482922.
Genomic context (GRCh38, chr10:86,706,575, plus strand): 5'-GGTCCCGCCTCATCAGCACCCCTATTGAGCATGCGCCGGTGTGCACCAGCCAGGCCACCA[CCCCGCTGCTG>C]CCCGCTTCTGCCCAGCCACCTGCTGCTGCCTCTCCCAGTGCGGCTTCGCCACCCCTGGCC-3'